The following is an entry in ClinVar:

NM_000642.3(AGL):c.3665del (p.Ala1222fs)

Gene: AGL (amylo-alpha-1,6-glucosidase and 4-alpha-glucanotransferase; plus strand). Cytogenetic location: 1p21.2.
Variant type: Deletion.
Coding change: c.3665del on transcript NM_000642.3 (MANE Select); coding-DNA position 3665, one base deleted (C; older notation c.3665delC).
Protein change: p.Ala1222fs; shifts the reading frame from alanine 1222.
Molecular consequence: frameshift variant.
Genome position (GRCh38, 1-based): chr1:99,902,759, C deleted. VCF-style (leftmost placement, unchanged base first): chr1-99902758-GC-G. GRCh37 (hg19) VCF-style: chr1-100368314-GC-G.
Other names: c.3665del (NM_000642.2); c.3665delC, p.Ala1222Valfs (NM_000028.3, NM_000643.3, NM_000644.3 and 1 more transcripts); c.3617delC, p.Ala1206Valfs (NM_000646.3); c.3644delC, p.Ala1215Valfs (NM_001425326.1); c.3464delC, p.Ala1155Valfs (NM_001425327.1); c.3461delC, p.Ala1154Valfs (NM_001425328.1); c.3326delC, p.Ala1109Valfs (NM_001425329.1); c.3287delC, p.Ala1096Valfs (NM_001425332.1); short protein forms A1206fs, A1222fs.
Identifiers: ClinVar variation 2681086 (VCV002681086.3), dbSNP rs1390577765, ClinGen allele CA524709857.
Genomic context (GRCh38, chr1:99,902,758, plus strand): 5'-GAAGTCATACAGGAAGCAATGCAAAAACACATGCAGGGCATACAGTTCCGAGAAAGGAAT[GC>G]TGGTCCCCAGATAGATCGAAACATGAAGGACGAAGGTACAGAACTTTAACTAAAATAGTA-3'

ClinVar aggregate classification (germline): Pathogenic. Review status: criteria provided, multiple submitters, no conflicts (2 of 4 stars). 3 submissions from 3 submitters: Pathogenic (3). Last evaluated 2025-11-04.

Conditions:
Glycogen storage disease type III (GSD3). Also called: Cori disease; FORBES DISEASE. Identifiers: Orphanet 366, MedGen C0017922, MONDO:0009291, OMIM 232400.

Allele frequency attached by ClinVar (database versions not stated): gnomAD 0.00001.

Submissions (3):

Labcorp Genetics (formerly Invitae), Labcorp
Classification: Pathogenic for Glycogen storage disease type III. Last evaluated: 2025-11-04. Review status: criteria provided, single submitter. Criteria: Invitae Variant Classification Sherloc (09022015). Collection method: clinical testing. Allele origin: germline.
Comment: This sequence change creates a premature translational stop signal (p.Ala1222Valfs*5) in the AGL gene. It is expected to result in an absent or disrupted protein product. Loss-of-function variants in AGL are known to be pathogenic (PMID: 19299494). This variant is present in population databases (no rsID available, gnomAD 0.01%). This premature translational stop signal has been observed in individual(s) with glycogen storage disease III (PMID: 10655153). ClinVar contains an entry for this variant (Variation ID: 2681086). Algorithms developed to predict the effect of sequence changes on RNA splicing suggest that this variant may disrupt the consensus splice site. For these reasons, this variant has been classified as Pathogenic.

GeneDx
Classification: Pathogenic. Last evaluated: 2025-05-10. Review status: criteria provided, single submitter. Criteria: GeneDx Variant Classification Process June 2021. Collection method: clinical testing. Allele origin: germline. Affected: yes.
Comment: Frameshift variant predicted to result in protein truncation or nonsense mediated decay in a gene for which loss of function is a known mechanism of disease; Not observed at significant frequency in large population cohorts (gnomAD); Identified in individuals with GSD III in published literature (PMID: 10655153, 18717245); This variant is associated with the following publications: (PMID: 10655153, 18717245)

Baylor Genetics
Classification: Pathogenic for Glycogen storage disease type III. Last evaluated: 2023-05-11. Review status: criteria provided, single submitter. Criteria: ACMG Guidelines, 2015. Collection method: clinical testing. Allele origin: unknown.

Literature cited by the submitters: PubMed 19299494 (cited by Labcorp Genetics (formerly Invitae), Labcorp); PubMed 10655153 (cited by Labcorp Genetics (formerly Invitae), Labcorp).